The following is an entry in ClinVar:

ClinVar aggregate classification (germline): Benign/Likely benign. Review status: criteria provided, multiple submitters, no conflicts (2 of 4 stars). 3 submissions from 3 submitters: Benign (1); Likely benign (2). Last evaluated 2018-06-14.

Conditions:
Mitochondrial DNA depletion syndrome 9 (MTDPS9). Also called: SUCLG1-Related Mitochondrial DNA Depletion Syndrome, Encephalomyopathic Form with Methylmalonic Aciduria. Identifiers: Orphanet 17, MedGen C3151476, MONDO:0009504, OMIM 245400.

Allele frequency attached by ClinVar (database versions not stated): gnomAD exomes 0.00086; gnomAD 0.00740 and 0.00784; TOPMed 0.00843; 1000 Genomes Project 0.01018; 1000 Genomes Project 30x 0.01046.
gnomAD v4.1: 1,535 of 616,118 alleles (0.25%); highest among the groups gnomAD compares: African/African-American, 2.6%; 20 homozygotes.

Submissions (3):

GeneDx
Classification: Likely benign. Last evaluated: 2018-06-14. Review status: criteria provided, single submitter. Criteria: GeneDx Variant Classification Process June 2021. Collection method: clinical testing. Allele origin: germline. Affected: yes.

Illumina Laboratory Services, Illumina
Classification: Benign for Mitochondrial DNA depletion syndrome 9. Last evaluated: 2018-01-12. Review status: criteria provided, single submitter. Criteria: ICSL Variant Classification Criteria 13 December 2019. Collection method: clinical testing. Allele origin: germline.
Comment: This variant was observed in the ICSL laboratory as part of a predisposition screen in an ostensibly healthy population. It had not been previously curated by ICSL or reported in the Human Gene Mutation Database (HGMD: prior to June 1st, 2018), and was therefore a candidate for classification through an automated scoring system. Utilizing variant allele frequency, disease prevalence and penetrance estimates, and inheritance mode, an automated score was calculated to assess if this variant is too frequent to cause the disease. Based on the score and internal cut-off values, a variant classified as benign is not then subjected to further curation. The score for this variant resulted in a classification of benign for this disease.

Breakthrough Genomics
Classification: Likely benign. Review status: criteria provided, single submitter. Criteria: ACMG Guidelines, 2015. Collection method: not provided. Allele origin: germline. Inheritance: Autosomal recessive inheritance. Affected: yes.

NM_003849.4(SUCLG1):c.*207A>G

Gene: SUCLG1 (succinate-CoA ligase GDP/ADP-forming subunit alpha; minus strand). Cytogenetic location: 2p11.2.
Variant type: single nucleotide variant.
Coding change: c.*207A>G on transcript NM_003849.4 (MANE Select); 207 bases downstream of the stop codon, A replaced by G.
Molecular consequence: 3 prime UTR variant.
Genome position (GRCh38, 1-based): chr2:84,423,539, T>C on the plus strand (A>G on the coding strand, the complement: SUCLG1 is on the minus strand). VCF-style: chr2-84423539-T-C. GRCh37 (hg19) VCF-style: chr2-84650663-T-C.
Identifiers: ClinVar variation 337148 (VCV000337148.9), dbSNP rs73942653, ClinGen allele CA10614437.
Genomic context (GRCh38, chr2:84,423,539, plus strand): 5'-ACTCTCCTCATCCTTCACACTGGAACAATAATAAGCCTCCAAAACCATATTGAAATCAAA[T>C]AGTAGATTTATTGGCTGTCTCTGTAATACAATGTGGTGAAAACATCTTAATTCAGGACAT-3'